The following is an entry in ClinVar:

ClinVar aggregate classification (germline): Uncertain significance. Review status: criteria provided, multiple submitters, no conflicts (2 of 4 stars). 2 submissions from 2 submitters: Uncertain significance (2). Last evaluated 2024-10-20.

Conditions:
Inborn genetic diseases. Identifiers: MedGen C0950123, MeSH D030342.
Primary ciliary dyskinesia 16. Also called: CILIARY DYSKINESIA, PRIMARY, 16, WITH OR WITHOUT SITUS INVERSUS. Identifiers: Orphanet 244, MedGen C3151460, MONDO:0013525, OMIM 614017.

Allele frequency attached by ClinVar (database versions not stated): gnomAD exomes 0.00001; gnomAD 0.00003; TOPMed 0.00004; ExAC 0.00008; ESP Exome Variant Server 0.00017.
gnomAD v4.1: 16 of 1,562,094 alleles (0.001%); highest among the groups gnomAD compares: Non-Finnish European, 0.0014%; no homozygotes.

Submissions (2):

Ambry Genetics
Classification: Uncertain significance for Inborn genetic diseases. Last evaluated: 2024-10-20. Review status: criteria provided, single submitter. Criteria: Ambry Variant Classification Scheme 2023. Collection method: clinical testing. Allele origin: germline.

Labcorp Genetics (formerly Invitae), Labcorp
Classification: Uncertain significance for Primary ciliary dyskinesia 16. Last evaluated: 2022-05-04. Review status: criteria provided, single submitter. Criteria: Invitae Variant Classification Sherloc (09022015). Collection method: clinical testing. Allele origin: germline.
Comment: In summary, the available evidence is currently insufficient to determine the role of this variant in disease. Therefore, it has been classified as a Variant of Uncertain Significance. Algorithms developed to predict the effect of missense changes on protein structure and function (SIFT, PolyPhen-2, Align-GVGD) all suggest that this variant is likely to be tolerated. This variant has not been reported in the literature in individuals affected with DNAL1-related conditions. The frequency data for this variant in the population databases is considered unreliable, as metrics indicate poor data quality at this position in the gnomAD database. This sequence change replaces asparagine, which is neutral and polar, with serine, which is neutral and polar, at codon 67 of the DNAL1 protein (p.Asn67Ser).

NM_031427.4(DNAL1):c.200A>G (p.Asn67Ser)

Gene: DNAL1 (dynein axonemal light chain 1; plus strand). Cytogenetic location: 14q24.3.
Variant type: single nucleotide variant.
Coding change: c.200A>G on transcript NM_031427.4 (MANE Select); coding-DNA position 200, A replaced by G.
Protein change: p.Asn67Ser; replaces asparagine 67 with serine.
Molecular consequence: missense variant.
Genome position (GRCh38, 1-based): chr14:73,662,034, A>G. VCF-style: chr14-73662034-A-G. GRCh37 (hg19) VCF-style: chr14-74128737-A-G.
Other names: c.83A>G, p.Asn28Ser (NM_001201366.2); c.200A>G (NM_031427.3); short protein forms N28S, N67S.
Identifiers: ClinVar variation 2176179 (VCV002176179.3), dbSNP rs374916869, ClinGen allele CA7261439.